The following is an entry in ClinVar:

ClinVar aggregate classification (germline): Uncertain significance (1 of 4 stars; one submission).

Conditions:
Hyperkalemic periodic paralysis. Also called: Familial hyperkalemic periodic paralysis; Gamstorp disease. Identifiers: Orphanet 682, MedGen C0238357, MONDO:0008224, OMIM 170500, HP:0007215.

gnomAD v4.1: 2 of 1,603,754 alleles (0.00012%); highest among the groups gnomAD compares: African/African-American, 0.0027%; no homozygotes.

Submission:

Labcorp Genetics (formerly Invitae), Labcorp
Classification: Uncertain significance for Hyperkalemic periodic paralysis. Last evaluated: 2024-06-09. Review status: criteria provided, single submitter. Criteria: Invitae Variant Classification Sherloc (09022015). Collection method: clinical testing. Allele origin: germline.
Comment: This sequence change replaces tyrosine, which is neutral and polar, with histidine, which is basic and polar, at codon 1054 of the SCN4A protein (p.Tyr1054His). This variant is not present in population databases (gnomAD no frequency). This variant has not been reported in the literature in individuals affected with SCN4A-related conditions. Advanced modeling of protein sequence and biophysical properties (such as structural, functional, and spatial information, amino acid conservation, physicochemical variation, residue mobility, and thermodynamic stability) performed at Invitae indicates that this missense variant is not expected to disrupt SCN4A protein function with a negative predictive value of 95%. In summary, the available evidence is currently insufficient to determine the role of this variant in disease. Therefore, it has been classified as a Variant of Uncertain Significance.

NM_000334.4(SCN4A):c.3160T>C (p.Tyr1054His)

Genes: GH-LCR (growth hormone locus control region; plus strand), SCN4A (sodium voltage-gated channel alpha subunit 4; minus strand). Cytogenetic location: 17q23.3.
Variant type: single nucleotide variant.
Coding change: c.3160T>C on transcript NM_000334.4 (MANE Select); coding-DNA position 3160, T replaced by C.
Protein change: p.Tyr1054His; replaces tyrosine 1054 with histidine.
Molecular consequence: missense variant.
Genome position (GRCh38, 1-based): chr17:63,948,048, A>G on the plus strand (T>C on the coding strand, the complement: SCN4A is on the minus strand). VCF-style: chr17-63948048-A-G. GRCh37 (hg19) VCF-style: chr17-62025408-A-G.
Other names: short protein forms Y1054H.
Identifiers: ClinVar variation 3613269 (VCV003613269.2).